The following is an entry in ClinVar:

NM_153682.3(PIGP):c.-22-47G>C

Genes: PIGP (phosphatidylinositol glycan anchor biosynthesis class P; minus strand), LOC130066643 (ATAC-STARR-seq lymphoblastoid silent region 13296; plus strand). Cytogenetic location: 21q22.13.
Variant type: single nucleotide variant.
Coding change: c.-22-47G>C on transcript NM_153682.3 (MANE Select); 47 bases into the intron before 22 bases upstream of the start codon, G replaced by C.
Molecular consequence: intron variant. On other transcripts: missense variant (1).
Genome position (GRCh38, 1-based): chr21:37,072,584, C>G on the plus strand (G>C on the coding strand, the complement: PIGP is on the minus strand). VCF-style: chr21-37072584-C-G. GRCh37 (hg19) VCF-style: chr21-38444884-C-G.
Other names: c.4G>C, p.Val2Leu (NM_153681.2); c.-266-47G>C (NM_016430.4); c.-22-47G>C (NM_001320480.2); short protein forms V2L.
Identifiers: ClinVar variation 2092487 (VCV002092487.4), dbSNP rs1028647852, ClinGen allele CA409921890.

ClinVar aggregate classification (germline): Uncertain significance (1 of 4 stars; one submission).

Submission:

Labcorp Genetics (formerly Invitae), Labcorp
Classification: Uncertain significance. Last evaluated: 2022-11-01. Review status: criteria provided, single submitter. Criteria: Invitae Variant Classification Sherloc (09022015). Collection method: clinical testing. Allele origin: germline.
Comment: In summary, the available evidence is currently insufficient to determine the role of this variant in disease. Therefore, it has been classified as a Variant of Uncertain Significance. Algorithms developed to predict the effect of missense changes on protein structure and function are either unavailable or do not agree on the potential impact of this missense change (SIFT: "Deleterious"; PolyPhen-2: "Not Available"; Align-GVGD: "Class C0"). This variant has not been reported in the literature in individuals affected with PIGP-related conditions. This variant is present in population databases (no rsID available, gnomAD 0.0009%). This sequence change replaces valine, which is neutral and non-polar, with leucine, which is neutral and non-polar, at codon 2 of the PIGP protein (p.Val2Leu).